The following is an entry in ClinVar:

ClinVar aggregate classification (germline): Likely benign (1 of 4 stars; one submission).

gnomAD v4.1: 321 of 1,614,018 alleles (0.02%); highest among the groups gnomAD compares: Middle Eastern, 0.033%; no homozygotes.

Submission:

CeGaT Center for Human Genetics Tuebingen
Classification: Likely benign. Last evaluated: 2025-03-01. Review status: criteria provided, single submitter. Criteria: CeGaT Center For Human Genetics Tuebingen Variant Classification Criteria Version 2. Collection method: clinical testing. Allele origin: germline. Affected: yes. Observed: 1 variant allele.
Comment: EMILIN2: BP4, BP7

NM_032048.3(EMILIN2):c.1068T>C (p.Asp356=)

Gene: EMILIN2 (elastin microfibril interfacer 2; plus strand). Cytogenetic location: 18p11.32.
Variant type: single nucleotide variant.
Coding change: c.1068T>C on transcript NM_032048.3 (MANE Select); coding-DNA position 1068, T replaced by C.
Protein change: p.Asp356=; no amino-acid change (aspartic acid 356 retained).
Molecular consequence: synonymous variant.
Genome position (GRCh38, 1-based): chr18:2,891,195, T>C. VCF-style: chr18-2891195-T-C. GRCh37 (hg19) VCF-style: chr18-2891193-T-C.
Identifiers: ClinVar variation 3778061 (VCV003778061.7).